The following is an entry in ClinVar:

NM_022817.3(PER2):c.1974C>T (p.Gly658=)

Gene: PER2 (period circadian regulator 2; minus strand). Cytogenetic location: 2q37.3.
Variant type: single nucleotide variant.
Coding change: c.1974C>T on transcript NM_022817.3 (MANE Select); coding-DNA position 1974, C replaced by T.
Protein change: p.Gly658=; no amino-acid change (glycine 658 retained).
Molecular consequence: synonymous variant.
Genome position (GRCh38, 1-based): chr2:238,257,013, G>A on the plus strand (C>T on the coding strand, the complement: PER2 is on the minus strand). VCF-style: chr2-238257013-G-A. GRCh37 (hg19) VCF-style: chr2-239165654-G-A.
Identifiers: ClinVar variation 3036487 (VCV003036487.2), dbSNP rs772375894, ClinGen allele CA2197220.

ClinVar aggregate classification (germline): Likely benign (0 of 4 stars; one submission).

Conditions:
PER2-related disorder. Also called: PER2-related condition.

Allele frequency attached by ClinVar (database versions not stated): gnomAD 0.00001; ExAC 0.00002; TOPMed 0.00003.
gnomAD v4.1: 15 of 1,613,472 alleles (0.00093%); highest among the groups gnomAD compares: Middle Eastern, 0.016%; no homozygotes.

Submission:

PreventionGenetics, part of Exact Sciences
Classification: Likely benign for PER2-related condition. Last evaluated: 2024-02-21. Review status: no assertion criteria provided. Collection method: clinical testing. Allele origin: germline.
Comment: This variant is classified as likely benign based on ACMG/AMP sequence variant interpretation guidelines (Richards et al. 2015 PMID: 25741868, with internal and published modifications).